The following is an entry in ClinVar:

ClinVar aggregate classification (germline): Uncertain significance (1 of 4 stars; one submission).

gnomAD v4.1: 1 of 1,613,876 alleles (0.000062%); highest among the groups gnomAD compares: Admixed American, 0.0017%; no homozygotes.

Submission:

Women's Health and Genetics/Laboratory Corporation of America, LabCorp
Classification: Uncertain significance. Last evaluated: 2026-01-22. Review status: criteria provided, single submitter. Criteria: LabCorp Variant Classification Summary - May 2015. Collection method: clinical testing. Allele origin: germline.
Comment: Variant summary: TLK2 c.1213C>A (p.Leu405Met) results in a conservative amino acid change in the encoded protein sequence. Algorithms developed to predict the effect of missense changes on protein structure and function are either unavailable or do not agree on the potential impact of this missense change. The variant allele was found at a frequency of 6.2e-07 in 1613876 control chromosomes. The available data on variant occurrences in the general population are insufficient to allow any conclusion about variant significance. To our knowledge, no occurrence of c.1213C>A in individuals affected with TLK2-related conditions and no experimental evidence demonstrating its impact on protein function have been reported. No submitters have cited clinical-significance assessments for this variant to ClinVar. Based on the evidence outlined above, the variant was classified as uncertain significance.

NM_006852.6(TLK2):c.1213C>A (p.Leu405Met)

Gene: TLK2 (tousled like kinase 2; plus strand). Cytogenetic location: 17q23.2.
Variant type: single nucleotide variant.
Coding change: c.1213C>A on transcript NM_006852.6 (MANE Select); coding-DNA position 1213, C replaced by A.
Protein change: p.Leu405Met; replaces leucine 405 with methionine.
Molecular consequence: missense variant.
Genome position (GRCh38, 1-based): chr17:62,578,501, C>A. VCF-style: chr17-62578501-C-A. GRCh37 (hg19) VCF-style: chr17-60655862-C-A.
Other names: c.1279C>A, p.Leu427Met (NM_001284333.3); c.1117C>A, p.Leu373Met (NM_001284363.1, NM_001375272.1, NM_001438203.1 and 1 more transcripts); c.766C>A, p.Leu256Met (NM_001330418.3, NM_001375273.1); c.1255C>A, p.Leu419Met (NM_001375269.1); c.1213C>A, p.Leu405Met (NM_001375270.1, NM_001375271.1); c.928C>A, p.Leu310Met (NM_001411074.1); c.1024C>A, p.Leu342Met (NM_001438205.1); short protein forms L256M, L310M, L342M, L373M, L405M, L419M, L427M.
Identifiers: ClinVar variation 4689097 (VCV004689097.1).
Genomic context (GRCh38, chr17:62,578,501, plus strand): 5'-CCCTATTTTGTGCTATTTCTTTCCTTTTCGCTTTAGGAGGAAGCAGAGATCCAGGCAGAG[C>A]TGGAGAGACTAGAAAGGGTTAGAAATCTACATATCAGGGAACTAAAAAGGATACATAATG-3'
Protein context (NP_006843.2, residues 395-415): KKEEAEIQAE[Leu405Met]ERLERVRNLH